The following is an entry in ClinVar:

NM_000059.4(BRCA2):c.6733C>A (p.Leu2245Met)

Gene: BRCA2 (BRCA2 DNA repair associated; plus strand). Cytogenetic location: 13q13.1.
Variant type: single nucleotide variant.
Coding change: c.6733C>A on transcript NM_000059.4 (MANE Select); coding-DNA position 6733, C replaced by A.
Protein change: p.Leu2245Met; replaces leucine 2245 with methionine.
Molecular consequence: missense variant.
Genome position (GRCh38, 1-based): chr13:32,341,088, C>A. VCF-style: chr13-32341088-C-A. GRCh37 (hg19) VCF-style: chr13-32915225-C-A.
Other names: short protein forms L2245M.
Identifiers: ClinVar variation 230162 (VCV000230162.8), dbSNP rs876658421, ClinGen allele CA10579709.
Genomic context (GRCh38, chr13:32,341,088, plus strand): 5'-ACAGAAGCAGTAGAAATTGCTAAAGCTTTTATGGAAGATGATGAACTGACAGATTCTAAA[C>A]TGCCAAGTCATGCCACACATTCTCTTTTTACATGTCCCGAAAATGAGGAAATGGTTTTGT-3'
Protein context (NP_000050.3, residues 2235-2255): MEDDELTDSK[Leu2245Met]PSHATHSLFT

ClinVar aggregate classification (germline): Conflicting classifications of pathogenicity. Review status: criteria provided, conflicting classifications (1 of 4 stars). 2 submissions from 2 submitters: Uncertain significance (1); Likely benign (1). Last evaluated 2025-10-02.

Conditions:
Hereditary cancer-predisposing syndrome. Also called: Hereditary neoplastic syndrome; Hereditary Cancer Syndrome; Neoplastic Syndromes, Hereditary; Tumor predisposition. Identifiers: Orphanet 140162, MedGen C0027672, MeSH D009386, MONDO:0015356.

Submissions (2):

Ambry Genetics
Classification: Uncertain significance for Hereditary cancer-predisposing syndrome. Last evaluated: 2025-10-02. Review status: criteria provided, single submitter. Criteria: Ambry Variant Classification Scheme 2023. Collection method: clinical testing. Allele origin: germline.
Comment: The p.L2245M variant (also known as c.6733C>A), located in coding exon 10 of the BRCA2 gene, results from a C to A substitution at nucleotide position 6733. The leucine at codon 2245 is replaced by methionine, an amino acid with highly similar properties. This amino acid position is not well conserved in available vertebrate species. In addition, this alteration is predicted to be tolerated by in silico analysis. Based on the available evidence, the clinical significance of this variant remains unclear.

University of Washington Department of Laboratory Medicine, University of Washington
Classification: Likely benign for Hereditary cancer-predisposing syndrome. Last evaluated: 2023-03-23. Review status: criteria provided, single submitter. Criteria: Dines et al. (Genet Med. 2020). Collection method: curation. Allele origin: germline.
Comment: Missense variant in a coldspot region where missense variants are very unlikely to be pathogenic (PMID:31911673).

BRCA2 exon 11 coldspot. Reclassification based on statistical prior probability.